The following is an entry in ClinVar:

ClinVar aggregate classification (germline): Uncertain significance. Review status: criteria provided, multiple submitters, no conflicts (2 of 4 stars). 2 submissions from 2 submitters: Uncertain significance (2). Last evaluated 2024-09-29.

Conditions:
Fanconi anemia (FA). Also called: Fanconi's anemia. Identifiers: Orphanet 84, MedGen C0015625, MeSH D005199, MONDO:0019391.

Allele frequency attached by ClinVar (database versions not stated): gnomAD exomes below 0.00001 and 0.00001; gnomAD 0.00001.
gnomAD v4.1: 5 of 1,209,232 alleles (0.00041%); highest among the groups gnomAD compares: South Asian, 0.0035%; 1 homozygote.

Submissions (2):

Labcorp Genetics (formerly Invitae), Labcorp
Classification: Uncertain significance for Fanconi anemia. Last evaluated: 2024-09-29. Review status: criteria provided, single submitter. Criteria: Invitae Variant Classification Sherloc (09022015). Collection method: clinical testing. Allele origin: germline.
Comment: This sequence change replaces valine, which is neutral and non-polar, with isoleucine, which is neutral and non-polar, at codon 798 of the FANCB protein (p.Val798Ile). The frequency data for this variant in the population databases is considered unreliable, as metrics indicate poor data quality at this position in the gnomAD database. This variant has not been reported in the literature in individuals affected with FANCB-related conditions. ClinVar contains an entry for this variant (Variation ID: 425479). An algorithm developed to predict the effect of missense changes on protein structure and function outputs the following: PolyPhen-2: "Benign". The isoleucine amino acid residue is found in multiple mammalian species, which suggests that this missense change does not adversely affect protein function. In summary, the available evidence is currently insufficient to determine the role of this variant in disease. Therefore, it has been classified as a Variant of Uncertain Significance.

CeGaT Center for Human Genetics Tuebingen
Classification: Uncertain significance. Last evaluated: 2016-11-01. Review status: criteria provided, single submitter. Criteria: CeGaT Center For Human Genetics Tuebingen Variant Classification Criteria Version 2. Collection method: clinical testing. Allele origin: germline. Affected: yes. Observed: 1 variant allele.

NM_001018113.3(FANCB):c.2392G>A (p.Val798Ile)

Gene: FANCB (FA complementation group B; minus strand). Cytogenetic location: Xp22.2.
Variant type: single nucleotide variant.
Coding change: c.2392G>A on transcript NM_001018113.3 (MANE Select); coding-DNA position 2392, G replaced by A.
Protein change: p.Val798Ile; replaces valine 798 with isoleucine.
Molecular consequence: missense variant.
Genome position (GRCh38, 1-based): chrX:14,843,755, C>T on the plus strand (G>A on the coding strand, the complement: FANCB is on the minus strand). VCF-style: chrX-14843755-C-T. GRCh37 (hg19) VCF-style: chrX-14861877-C-T.
Other names: c.2392G>A, p.Val798Ile (NM_001324162.2, NM_152633.4); short protein forms V798I.
Identifiers: ClinVar variation 425479 (VCV000425479.45), dbSNP rs1064797358, ClinGen allele CA16621881.